The following is an entry in ClinVar:

ClinVar aggregate classification (germline): Pathogenic/Likely pathogenic. Review status: criteria provided, multiple submitters, no conflicts (2 of 4 stars). 5 submissions from 5 submitters: Pathogenic (2); Likely pathogenic (3). Last evaluated 2026-04-16.

Conditions:
PKHD1-related disorder. Also called: PKHD1-related condition.
Autosomal recessive polycystic kidney disease (ARPKD). Also called: AR polycystic kidney disease. Identifiers: Orphanet 731, Orphanet 8378, MedGen C0085548, MeSH D017044, MONDO:0009889.
Polycystic kidney disease 4 (PKD4). Also called: PKD3; Autosomal Recessive Polycystic Kidney Disease – PKHD1; POLYCYSTIC KIDNEY AND HEPATIC DISEASE 1; POLYCYSTIC KIDNEY DISEASE, INFANTILE, TYPE I; POLYCYSTIC KIDNEY DISEASE 4 WITH OR WITHOUT POLYCYSTIC LIVER DISEASE. Identifiers: MedGen C4540575, MONDO:0033004, OMIM 263200.

Submissions (5):

GeneDx
Classification: Likely pathogenic. Last evaluated: 2026-04-16. Review status: criteria provided, single submitter. Criteria: GeneDx Variant Classification Process June 2021. Collection method: clinical testing. Allele origin: germline.
Comment: Frameshift variant predicted to result in abnormal protein length as the last 62 amino acid(s) are replaced with 24 different amino acid(s), and other similar variants have been reported in HGMD; Not observed at significant frequency in large population cohorts (gnomAD); This variant is associated with the following publications: (PMID: 34426522, 29956005)

Natera, Inc.
Classification: Likely pathogenic for Autosomal recessive polycystic kidney disease. Last evaluated: 2026-01-21. Review status: criteria provided, single submitter. Criteria: Natera Variant Classification Schema (03/2026). Collection method: clinical testing. Allele origin: germline.
Comment: The c.12036delA variant in PKHD1 is a frameshift variant predicted to shift the reading frame beginning at codon 4013 and leads to a stop codon 25 codons downstream. This variant may result in a truncated or dysfunctional protein product. This variant is rare in the general population with a frequency below the threshold expected for the associated phenotype(s). This variant has been observed in one or more individuals affected with the associated recessive disease, as either homozygous or compound heterozygous with a second variant (PMID: 29956005). Given the available evidence, this variant is classified as Likely Pathogenic.

Revvity Omics, Revvity
Classification: Pathogenic for Polycystic kidney disease 4. Last evaluated: 2025-06-05. Review status: criteria provided, single submitter. Criteria: ACMG Guidelines, 2015. Collection method: clinical testing. Allele origin: germline.

Blueprint Genetics
Classification: Pathogenic for PKHD1-related disorders. Last evaluated: 2024-09-03. Review status: criteria provided, single submitter. Criteria: ACMG Guidelines, 2015. Collection method: clinical testing. Allele origin: germline. Affected: yes. Observed: 4 variant alleles.

Fulgent Genetics
Classification: Likely pathogenic for Polycystic kidney disease 4. Last evaluated: 2024-01-03. Review status: criteria provided, single submitter. Criteria: ACMG Guidelines, 2015. Collection method: clinical testing. Allele origin: germline.

Literature cited by the submitters: PubMed 29956005 (cited by Natera, Inc.).

NM_138694.4(PKHD1):c.12036del (p.Gly4013fs)

Gene: PKHD1 (PKHD1 ciliary IPT domain containing fibrocystin/polyductin; minus strand). Cytogenetic location: 6p12.3.
Variant type: Deletion.
Coding change: c.12036del on transcript NM_138694.4 (MANE Select); coding-DNA position 12036, one base deleted (A; older notation c.12036delA).
Protein change: p.Gly4013fs; shifts the reading frame from glycine 4013.
Molecular consequence: frameshift variant.
Genome position (GRCh38, 1-based): chr6:51,619,270, T deleted on the plus strand (A on the coding strand, the reverse complement: PKHD1 is on the minus strand). VCF-style (leftmost placement, unchanged base first): chr6-51619269-CT-C. GRCh37 (hg19) VCF-style: chr6-51484067-CT-C.
Other names: c.12036delA (NM_138694.3); c.12036del (NM_138694.3); short protein forms G4013fs.
Identifiers: ClinVar variation 3593717 (VCV003593717.5).